The following is an entry in ClinVar:

NC_000002.12:g.203854053C>A

Gene: CTLA4 (cytotoxic T-lymphocyte associated protein 4; plus strand). Cytogenetic location: 2q33.2.
Variant type: single nucleotide variant.
Genome position: GRCh38 VCF-style: chr2-203854053-C-A. GRCh37 (hg19) VCF-style: chr2-204718776-C-A.
Identifiers: ClinVar variation 3389432 (VCV003389432.14).

ClinVar aggregate classification (germline): Likely benign (1 of 4 stars; one submission).

Submission:

CeGaT Center for Human Genetics Tuebingen
Classification: Likely benign. Last evaluated: 2026-02-01. Review status: criteria provided, single submitter. Criteria: CeGaT Center For Human Genetics Tuebingen Variant Classification Criteria Version 2. Collection method: clinical testing. Allele origin: germline. Affected: yes. Observed: 3 variant alleles.
Comment: CTLA4: BP4, BP7